The following is an entry in ClinVar:

NM_000245.4(MET):c.1677G>A (p.Gln559=)

Gene: MET (MET proto-oncogene, receptor tyrosine kinase; plus strand). Cytogenetic location: 7q31.2.
Variant type: single nucleotide variant.
Coding change: c.1677G>A on transcript NM_000245.4 (MANE Select); coding-DNA position 1677, G replaced by A.
Protein change: p.Gln559=; no amino-acid change (glutamine 559 retained).
Molecular consequence: synonymous variant.
Genome position (GRCh38, 1-based): chr7:116,741,001, G>A. VCF-style: chr7-116741001-G-A. GRCh37 (hg19) VCF-style: chr7-116381055-G-A.
Other names: c.1677G>A, p.Gln559= (NM_001127500.3, NM_001324401.3); c.387G>A, p.Gln129= (NM_001324402.2).
Identifiers: ClinVar variation 1550585 (VCV001550585.11), dbSNP rs1290346524, ClinGen allele CA457215650.
Genomic context (GRCh38, chr7:116,741,001, plus strand): 5'-CTGGTGCCACGACAAATGTGTGCGATCGGAGGAATGCCTGAGCGGGACATGGACTCAACA[G>A]ATCTGTCTGCCTGCAATCTACAAGGTAGGAATCTCTAACAGCTGGCATACATGTTTTTGT-3'
Protein context (NP_000236.2, residues 549-569): EECLSGTWTQ[Gln559=]ICLPAIYKVF

ClinVar aggregate classification (germline): Benign/Likely benign. Review status: criteria provided, multiple submitters, no conflicts (2 of 4 stars). 3 submissions from 3 submitters: Benign (1); Likely benign (2). Last evaluated 2025-01-08.

Conditions:
Papillary renal cell carcinoma type 1 (RCCP1). Also called: Renal adenocarcinoma; Renal cell carcinoma 1; Renal cell carcinoma, somatic; RENAL CELL CARCINOMA, PAPILLARY, 1, SOMATIC. Identifiers: Orphanet 47044, MedGen C1336839, OMIM 605074, HP:0011797.
Renal cell carcinoma. Identifiers: Orphanet 217071, MedGen C0007134, MeSH D002292, MONDO:0005086, HP:0005584.
Hereditary cancer-predisposing syndrome. Also called: Neoplastic Syndromes, Hereditary; Hereditary Cancer Syndrome; Tumor predisposition; Hereditary neoplastic syndrome. Identifiers: Orphanet 140162, MedGen C0027672, MeSH D009386, MONDO:0015356.

gnomAD v4.1: 2 of 1,613,332 alleles (0.00012%); highest among the groups gnomAD compares: Non-Finnish European, 0.00017%; no homozygotes.

Submissions (3):

Labcorp Genetics (formerly Invitae), Labcorp
Classification: Likely benign for Renal cell carcinoma. Last evaluated: 2025-01-08. Review status: criteria provided, single submitter. Criteria: Invitae Variant Classification Sherloc (09022015). Collection method: clinical testing. Allele origin: germline.

Myriad Genetics, Inc.
Classification: Benign for Papillary renal cell carcinoma type 1. Last evaluated: 2024-11-07. Review status: criteria provided, single submitter. Criteria: Myriad Autosomal Dominant, Autosomal Recessive and X-Linked Classification Criteria (2023). Collection method: clinical testing. Allele origin: unknown.
Comment: This variant is considered benign. This variant is a silent/synonymous amino acid change and it is not expected to impact splicing.

Ambry Genetics
Classification: Likely benign for Hereditary cancer-predisposing syndrome. Last evaluated: 2019-07-26. Review status: criteria provided, single submitter. Criteria: Ambry Variant Classification Scheme 2023. Collection method: clinical testing. Allele origin: germline.